The following is an entry in ClinVar:

NM_001040151.2(SCN3B):c.601A>G (p.Ile201Val)

Gene: SCN3B (sodium voltage-gated channel beta subunit 3; minus strand). Cytogenetic location: 11q24.1.
Variant type: single nucleotide variant.
Coding change: c.601A>G on transcript NM_001040151.2 (MANE Select); coding-DNA position 601, A replaced by G.
Protein change: p.Ile201Val; replaces isoleucine 201 with valine.
Molecular consequence: missense variant.
Genome position (GRCh38, 1-based): chr11:123,634,190, T>C on the plus strand (A>G on the coding strand, the complement: SCN3B is on the minus strand). VCF-style: chr11-123634190-T-C. GRCh37 (hg19) VCF-style: chr11-123504898-T-C.
Other names: c.601A>G, p.Ile201Val (NM_018400.4); short protein forms I201V.
Identifiers: ClinVar variation 2153493 (VCV002153493.5), dbSNP rs1955701140, ClinGen allele CA383070069.

ClinVar aggregate classification (germline): Uncertain significance. Review status: criteria provided, multiple submitters, no conflicts (2 of 4 stars). 2 submissions from 2 submitters: Uncertain significance (2). Last evaluated 2025-11-10.

Conditions:
Brugada syndrome 7 (BRGDA7). Identifiers: Orphanet 130, MedGen C2751088, MONDO:0013146, OMIM 613120.
Cardiovascular phenotype. Identifiers: MedGen CN230736.

Allele frequency attached by ClinVar (database versions not stated): gnomAD exomes below 0.00001; TOPMed 0.00001; gnomAD 0.00002.
gnomAD v4.1: 6 of 1,613,620 alleles (0.00037%); highest among the groups gnomAD compares: African/African-American, 0.008%; no homozygotes.

Submissions (2):

Labcorp Genetics (formerly Invitae), Labcorp
Classification: Uncertain significance for Brugada syndrome 7. Last evaluated: 2025-11-10. Review status: criteria provided, single submitter. Criteria: Invitae Variant Classification Sherloc (09022015). Collection method: clinical testing. Allele origin: germline.
Comment: This sequence change replaces isoleucine, which is neutral and non-polar, with valine, which is neutral and non-polar, at codon 201 of the SCN3B protein (p.Ile201Val). This variant is not present in population databases (gnomAD no frequency). This variant has not been reported in the literature in individuals affected with SCN3B-related conditions. ClinVar contains an entry for this variant (Variation ID: 2153493). An algorithm developed to predict the effect of missense changes on protein structure and function (PolyPhen-2) suggests that this variant is likely to be tolerated. In summary, the available evidence is currently insufficient to determine the role of this variant in disease. Therefore, it has been classified as a Variant of Uncertain Significance.

Ambry Genetics
Classification: Uncertain significance for Cardiovascular phenotype. Last evaluated: 2025-05-27. Review status: criteria provided, single submitter. Criteria: Ambry Variant Classification Scheme 2023. Collection method: clinical testing. Allele origin: germline.
Comment: The p.I201V variant (also known as c.601A>G), located in coding exon 5 of the SCN3B gene, results from an A to G substitution at nucleotide position 601. The isoleucine at codon 201 is replaced by valine, an amino acid with highly similar properties. This amino acid position is conserved. In addition, the in silico prediction for this alteration is inconclusive. Based on the available evidence, the clinical significance of this variant remains unclear.